The following is an entry in ClinVar:

NM_004369.4(COL6A3):c.8059T>A (p.Phe2687Ile)

Gene: COL6A3 (collagen type VI alpha 3 chain; minus strand). Cytogenetic location: 2q37.3.
Variant type: single nucleotide variant.
Coding change: c.8059T>A on transcript NM_004369.4 (MANE Select); coding-DNA position 8059, T replaced by A.
Protein change: p.Phe2687Ile; replaces phenylalanine 2687 with isoleucine.
Molecular consequence: missense variant.
Genome position (GRCh38, 1-based): chr2:237,340,857, A>T on the plus strand (T>A on the coding strand, the complement: COL6A3 is on the minus strand). VCF-style: chr2-237340857-A-T. GRCh37 (hg19) VCF-style: chr2-238249500-A-T.
Other names: c.6238T>A, p.Phe2080Ile (NM_057166.5); c.7441T>A, p.Phe2481Ile (NM_057167.4); short protein forms F2481I, F2687I, F2080I.
Identifiers: ClinVar variation 3664351 (VCV003664351.2).

ClinVar aggregate classification (germline): Uncertain significance (1 of 4 stars; one submission).

Conditions:
Bethlem myopathy 1A. Also called: Bethlem myopathy 1; MYOPATHY, BENIGN CONGENITAL, WITH CONTRACTURES; Bethlem Muscular Dystrophy. Identifiers: Orphanet 610, MedGen CN029274, MONDO:0024530, OMIM 158810.

Submission:

Labcorp Genetics (formerly Invitae), Labcorp
Classification: Uncertain significance for Bethlem myopathy 1A. Last evaluated: 2024-09-03. Review status: criteria provided, single submitter. Criteria: Invitae Variant Classification Sherloc (09022015). Collection method: clinical testing. Allele origin: germline.
Comment: This sequence change replaces phenylalanine, which is neutral and non-polar, with isoleucine, which is neutral and non-polar, at codon 2687 of the COL6A3 protein (p.Phe2687Ile). This variant is not present in population databases (gnomAD no frequency). This variant has not been reported in the literature in individuals affected with COL6A3-related conditions. Invitae Evidence Modeling of protein sequence and biophysical properties (such as structural, functional, and spatial information, amino acid conservation, physicochemical variation, residue mobility, and thermodynamic stability) indicates that this missense variant is not expected to disrupt COL6A3 protein function with a negative predictive value of 80%. In summary, the available evidence is currently insufficient to determine the role of this variant in disease. Therefore, it has been classified as a Variant of Uncertain Significance.